The following is an entry in ClinVar:

NM_000170.3(GLDC):c.11G>A (p.Cys4Tyr)

Gene: GLDC (glycine decarboxylase; minus strand). Cytogenetic location: 9p24.1.
Variant type: single nucleotide variant.
Coding change: c.11G>A on transcript NM_000170.3 (MANE Select); coding-DNA position 11, G replaced by A.
Protein change: p.Cys4Tyr; replaces cysteine 4 with tyrosine.
Molecular consequence: missense variant.
Genome position (GRCh38, 1-based): chr9:6,645,489, C>T on the plus strand (G>A on the coding strand, the complement: GLDC is on the minus strand). VCF-style: chr9-6645489-C-T. GRCh37 (hg19) VCF-style: chr9-6645489-C-T.
Other names: short protein forms C4Y.
Identifiers: ClinVar variation 940178 (VCV000940178.8), dbSNP rs1267461962, ClinGen allele CA372887652.

ClinVar aggregate classification (germline): Uncertain significance. Review status: criteria provided, multiple submitters, no conflicts (2 of 4 stars). 2 submissions from 2 submitters: Uncertain significance (2). Last evaluated 2022-10-13.

Conditions:
Glycine encephalopathy. Also called: Nonketotic hyperglycinemia; Non-ketotic hyperglycinemia. Identifiers: Orphanet 407, MedGen C0751748, MONDO:0011612, HP:0008288.

Allele frequency attached by ClinVar (database versions not stated): gnomAD 0.00001.

Submissions (2):

Labcorp Genetics (formerly Invitae), Labcorp
Classification: Uncertain significance for Glycine encephalopathy. Last evaluated: 2022-10-13. Review status: criteria provided, single submitter. Criteria: Invitae Variant Classification Sherloc (09022015). Collection method: clinical testing. Allele origin: germline.
Comment: This sequence change replaces cysteine, which is neutral and slightly polar, with tyrosine, which is neutral and polar, at codon 4 of the GLDC protein (p.Cys4Tyr). This variant is not present in population databases (gnomAD no frequency). This variant has not been reported in the literature in individuals affected with GLDC-related conditions. ClinVar contains an entry for this variant (Variation ID: 940178). Advanced modeling of protein sequence and biophysical properties (such as structural, functional, and spatial information, amino acid conservation, physicochemical variation, residue mobility, and thermodynamic stability) performed at Invitae indicates that this missense variant is expected to disrupt GLDC protein function. In summary, the available evidence is currently insufficient to determine the role of this variant in disease. Therefore, it has been classified as a Variant of Uncertain Significance.

Blueprint Genetics
Classification: Uncertain significance. Last evaluated: 2021-02-03. Review status: criteria provided, single submitter. Criteria: ACMG Guidelines, 2015. Collection method: clinical testing. Allele origin: germline.